The following is an entry in ClinVar:

NM_024301.5(FKRP):c.1015C>T (p.Arg339Cys)

Gene: FKRP (fukutin related protein; plus strand). Cytogenetic location: 19q13.32.
Variant type: single nucleotide variant.
Coding change: c.1015C>T on transcript NM_024301.5 (MANE Select); coding-DNA position 1015, C replaced by T.
Protein change: p.Arg339Cys; replaces arginine 339 with cysteine.
Molecular consequence: missense variant.
Genome position (GRCh38, 1-based): chr19:46,756,465, C>T. VCF-style: chr19-46756465-C-T. GRCh37 (hg19) VCF-style: chr19-47259722-C-T.
Other names: c.1015C>T, p.Arg339Cys (NM_001039885.3); short protein forms R339C.
Identifiers: ClinVar variation 4746212 (VCV004746212.1).
Genomic context (GRCh38, chr19:46,756,465, plus strand): 5'-CTGCGCGCGCTGCGCGAGACCGCCCGCTATGTGGTGGGCGTGCTGGAGGCTGCGGGCGTG[C>T]GCTACTGGCTCGAGGGCGGCTCACTGCTGGGGGCCGCCCGCCACGGGGACATCATCCCAT-3'
Protein context (NP_077277.1, residues 329-349): VVGVLEAAGV[Arg339Cys]YWLEGGSLLG

ClinVar aggregate classification (germline): Likely pathogenic (1 of 4 stars; one submission).

Conditions:
Walker-Warburg congenital muscular dystrophy. Also called: Muscular dystrophy-dystroglycanopathy, type A; Walker-Warburg syndrome. Identifiers: Orphanet 899, MedGen C0265221, MONDO:0000171.

Submission:

Labcorp Genetics (formerly Invitae), Labcorp
Classification: Likely pathogenic for Walker-Warburg congenital muscular dystrophy. Last evaluated: 2026-01-31. Review status: criteria provided, single submitter. Criteria: Invitae Variant Classification Sherloc (09022015). Collection method: clinical testing. Allele origin: germline.
Comment: This sequence change replaces arginine, which is basic and polar, with cysteine, which is neutral and slightly polar, at codon 339 of the FKRP protein (p.Arg339Cys). This variant is not present in population databases (gnomAD no frequency). This variant has not been reported in the literature in individuals affected with FKRP-related conditions. Invitae Evidence Modeling of protein sequence and biophysical properties (such as structural, functional, and spatial information, amino acid conservation, physicochemical variation, residue mobility, and thermodynamic stability) indicates that this missense variant is expected to disrupt FKRP protein function with a positive predictive value of 95%. This variant disrupts the p.Arg339 amino acid residue in FKRP. Other variant(s) that disrupt this residue have been determined to be pathogenic (PMID: 14742276, 28688748). This suggests that this residue is clinically significant, and that variants that disrupt this residue are likely to be disease-causing. In summary, the currently available evidence indicates that the variant is pathogenic, but additional data are needed to prove that conclusively. Therefore, this variant has been classified as Likely Pathogenic.

Literature cited by the submitters: PubMed 14742276; PubMed 28688748.